The following is an entry in ClinVar:

ClinVar aggregate classification (germline): Pathogenic (1 of 4 stars; one submission).

Submission:

GeneDx
Classification: Pathogenic. Last evaluated: 2018-04-10. Review status: criteria provided, single submitter. Criteria: GeneDx Variant Classification (06012015). Collection method: clinical testing. Allele origin: germline. Affected: yes.
Comment: The c.2606delC variant in the ASXL2 gene has not been reported previously as a pathogenic variant nor as a benign variant, to our knowledge. The c.2606delC variant results in the replacement of the normal codon, Serine 869, with a Stop codon, denoted p.Ser869Ter. This variant is predicted to cause loss of normal protein function through protein truncation. The c.2606delC variant is not observed in large population cohorts (Lek et al., 2016). We interpret c.2606delC as a pathogenic variant.

NM_018263.6(ASXL2):c.2606del (p.Pro868_Ser869insTer)

Gene: ASXL2 (ASXL transcriptional regulator 2; minus strand). Cytogenetic location: 2p23.3.
Variant type: Deletion.
Coding change: c.2606del on transcript NM_018263.6 (MANE Select); coding-DNA position 2606, one base deleted (C; older notation c.2606delC).
Protein change: p.Pro868_Ser869insTer.
Molecular consequence: nonsense.
Genome position (GRCh38, 1-based): chr2:25,743,731, G deleted on the plus strand (C on the coding strand, the reverse complement: ASXL2 is on the minus strand). VCF-style (leftmost placement, unchanged base first): chr2-25743730-TG-T. GRCh37 (hg19) VCF-style: chr2-25966599-TG-T.
Other names: c.2432del, p.Pro810_Ser811insTer (NM_001369346.1); c.1826del, p.Pro608_Ser609insTer (NM_001369347.1).
Identifiers: ClinVar variation 523922 (VCV000523922.2), dbSNP rs1553691555, ClinGen allele CA658795685.